The following is an entry in ClinVar:

ClinVar aggregate classification (germline): Benign (0 of 4 stars; one submission).

Conditions:
Bardet-Biedl syndrome (BBS). Identifiers: Orphanet 110, MedGen C0752166, MONDO:0015229.

Submission:

GeneReviews
Classification: Benign for Bardet-Biedl Syndrome. Last evaluated: 2009-10-13. Review status: no assertion criteria provided. Collection method: curation. Allele origin: unknown.
ClinVar note: Converted during submission from benign to Benign.

NM_170784.3(MKKS):c.-683_-674dup

Genes: MKKS (MKKS centrosomal shuttling protein; minus strand), LOC128706665 (uncharacterized LOC128706665; minus strand), LOC128706666 (uncharacterized LOC128706666; minus strand). Cytogenetic location: 20p12.2.
Variant type: Duplication.
Coding change: c.-683_-674dup on transcript NM_170784.3 (MANE Select); 683 bases upstream of the start codon through 674 bases upstream of the start codon, 10 bases duplicated (TGGCGGCCTG; older notation c.-683_-674dupTGGCGGCCTG).
Molecular consequence: 5 prime UTR variant. On other transcripts: non-coding transcript variant (1).
Genome position (GRCh38, 1-based): chr20:10,434,133-10,434,142, CAGGCCGCCA duplicated on the plus strand (TGGCGGCCTG on the coding strand, the reverse complement: MKKS is on the minus strand); duplicating any 10 consecutive bases within chr20:10,434,133-10,434,143 gives the same sequence; the c. name uses the placement nearest the transcript's 3' end. VCF-style (leftmost placement, unchanged base first): chr20-10434132-C-CCAGGCCGCCA. GRCh37 (hg19) VCF-style: chr20-10414780-C-CCAGGCCGCCA.
Other names: c.-56_-47dup (NM_001394148.2); c.-310_-301dup (NM_001394149.2); c.-674_-673insTGGCGGCCTG (NM_170784.2).
Identifiers: ClinVar variation 21667 (VCV000021667.5), dbSNP rs16996729, ClinGen allele CA342350.